The following is an entry in ClinVar:

NM_005612.5(REST):c.2689G>A (p.Val897Ile)

Gene: REST (RE1 silencing transcription factor; plus strand). Cytogenetic location: 4q12.
Variant type: single nucleotide variant.
Coding change: c.2689G>A on transcript NM_005612.5 (MANE Select); coding-DNA position 2689, G replaced by A.
Protein change: p.Val897Ile; replaces valine 897 with isoleucine.
Molecular consequence: missense variant.
Genome position (GRCh38, 1-based): chr4:56,931,547, G>A. VCF-style: chr4-56931547-G-A. GRCh37 (hg19) VCF-style: chr4-57797713-G-A.
Other names: c.2689G>A, p.Val897Ile (NM_001193508.2, NM_001363453.3); short protein forms V897I.
Identifiers: ClinVar variation 1445376 (VCV001445376.9), dbSNP rs371392326, ClinGen allele CA2932535.

ClinVar aggregate classification (germline): Uncertain significance. Review status: criteria provided, multiple submitters, no conflicts (2 of 4 stars). 3 submissions from 3 submitters: Uncertain significance (3). Last evaluated 2025-04-11.

Conditions:
REST-related disorder. Also called: REST-related condition.
Inborn genetic diseases. Identifiers: MedGen C0950123, MeSH D030342.

Allele frequency attached by ClinVar (database versions not stated): gnomAD 0.00002; gnomAD exomes 0.00002 and 0.00003; ExAC 0.00003; TOPMed 0.00003; ESP Exome Variant Server 0.00015.

Submissions (3):

Labcorp Genetics (formerly Invitae), Labcorp
Classification: Uncertain significance. Last evaluated: 2025-04-11. Review status: criteria provided, single submitter. Criteria: Invitae Variant Classification Sherloc (09022015). Collection method: clinical testing. Allele origin: germline.
Comment: This sequence change replaces valine, which is neutral and non-polar, with isoleucine, which is neutral and non-polar, at codon 897 of the REST protein (p.Val897Ile). This variant is present in population databases (rs371392326, gnomAD 0.008%). This variant has not been reported in the literature in individuals affected with REST-related conditions. ClinVar contains an entry for this variant (Variation ID: 1445376). An algorithm developed to predict the effect of missense changes on protein structure and function (PolyPhen-2) suggests that this variant is likely to be tolerated. In summary, the available evidence is currently insufficient to determine the role of this variant in disease. Therefore, it has been classified as a Variant of Uncertain Significance.

PreventionGenetics, part of Exact Sciences
Classification: Uncertain significance for REST-related condition. Last evaluated: 2025-02-02. Review status: criteria provided, single submitter. Criteria: ACMG Guidelines, 2015. Collection method: clinical testing. Allele origin: germline.
Comment: The REST c.2689G>A variant is predicted to result in the amino acid substitution p.Val897Ile. To our knowledge, this variant has not been reported in the literature. This variant is reported in 0.0080% of alleles in individuals of African descent in gnomAD. At this time, the clinical significance of this variant is uncertain due to the absence of conclusive functional and genetic evidence.

Ambry Genetics
Classification: Uncertain significance for Inborn genetic diseases. Last evaluated: 2024-09-08. Review status: criteria provided, single submitter. Criteria: Ambry Variant Classification Scheme 2023. Collection method: clinical testing. Allele origin: germline.